The following is an entry in ClinVar:

NM_001367943.1(TCF7L2):c.1435C>T (p.Pro479Ser)

Gene: TCF7L2 (transcription factor 7 like 2; plus strand). Cytogenetic location: 10q25.3.
Variant type: single nucleotide variant.
Coding change: c.1435C>T on transcript NM_001367943.1 (MANE Select); coding-DNA position 1435, C replaced by T.
Protein change: p.Pro479Ser; replaces proline 479 with serine.
Molecular consequence: missense variant. On other transcripts: intron variant (9).
Genome position (GRCh38, 1-based): chr10:113,159,985, C>T. VCF-style: chr10-113159985-C-T. GRCh37 (hg19) VCF-style: chr10-114919744-C-T.
Other names: c.1315C>T, p.Pro439Ser (NM_001146285.2); c.1381C>T, p.Pro461Ser (NM_001198525.2); c.1354C>T, p.Pro452Ser (NM_001198527.2); c.1366C>T, p.Pro456Ser (NM_001198528.2, NM_030756.5); c.1006C>T, p.Pro336Ser (NM_001349870.2); c.886C>T, p.Pro296Ser (NM_001349871.1); c.1369+1268C>T (NM_001363501.2); c.1319-634C>T (NM_001146274.2); and 7 more; short protein forms P296S, P336S, P439S, P452S, P456S, P461S, P479S.
Identifiers: ClinVar variation 4823012 (VCV004823012.4).
Genomic context (GRCh38, chr10:113,159,985, plus strand): 5'-AGCGCTCCTAAGAAATGCCGAGCGCGCTTTGGCCTTGATCAACAGAATAACTGGTGCGGC[C>T]CTTGCAGGTGTGTATAGTTTTCCAGATTCGCTGTGCTGGTTTGCAGCTGGTCTATTCGAT-3'
Protein context (NP_001354872.1, residues 469-489): GLDQQNNWCG[Pro479Ser]CRRKKKCVRY

ClinVar aggregate classification (germline): Uncertain significance (1 of 4 stars; one submission).

Submission:

CeGaT Center for Human Genetics Tuebingen
Classification: Uncertain significance. Last evaluated: 2026-01-01. Review status: criteria provided, single submitter. Criteria: CeGaT Center For Human Genetics Tuebingen Variant Classification Criteria Version 2. Collection method: clinical testing. Allele origin: germline. Affected: yes. Observed: 1 variant allele.
Comment: TCF7L2: PM2, PP2, PP3